The following is an entry in ClinVar:

ClinVar aggregate classification (germline): Uncertain significance. Review status: criteria provided, multiple submitters, no conflicts (2 of 4 stars). 5 submissions from 4 submitters: Uncertain significance (3). 2 of the submissions do not count toward it. Last evaluated 2024-11-01.

Conditions:
DOCK2-related disorder. Also called: DOCK2-related condition.
DOCK2 deficiency. Also called: Immunodeficiency 40. Identifiers: Orphanet 447737, MedGen C4225328, MONDO:0014637, OMIM 616433.

Allele frequency attached by ClinVar (database versions not stated): gnomAD exomes 0.00003 and 0.00005; gnomAD 0.00006; TOPMed 0.00007; ESP Exome Variant Server 0.00008; ExAC 0.00010; 1000 Genomes Project 30x 0.00016; 1000 Genomes Project 0.00020.
gnomAD v4.1: 58 of 1,613,702 alleles (0.0036%); highest among the groups gnomAD compares: African/African-American, 0.033%; no homozygotes.

Submissions (5):

Blueprint Genetics
Classification: Uncertain significance. Last evaluated: 2024-11-01. Review status: criteria provided, single submitter. Criteria: ACMG Guidelines, 2015. Collection method: clinical testing. Allele origin: germline.

Labcorp Genetics (formerly Invitae), Labcorp
Classification: Uncertain significance for DOCK2 deficiency. Last evaluated: 2024-01-25. Review status: criteria provided, single submitter. Criteria: Invitae Variant Classification Sherloc (09022015). Collection method: clinical testing. Allele origin: germline.
Comment: This sequence change falls in intron 26 of the DOCK2 gene. It does not directly change the encoded amino acid sequence of the DOCK2 protein. It affects a nucleotide within the consensus splice site. This variant is present in population databases (rs144101028, gnomAD 0.03%). This variant has not been reported in the literature in individuals affected with DOCK2-related conditions. ClinVar contains an entry for this variant (Variation ID: 967479). Variants that disrupt the consensus splice site are a relatively common cause of aberrant splicing (PMID: 17576681, 9536098). Algorithms developed to predict the effect of sequence changes on RNA splicing suggest that this variant is not likely to affect RNA splicing. In summary, the available evidence is currently insufficient to determine the role of this variant in disease. Therefore, it has been classified as a Variant of Uncertain Significance.

Dubai Health Genomic Medicine Center, Dubai Health
Classification: Uncertain significance. Last evaluated: 2022-12-17. Review status: criteria provided, single submitter. Criteria: ACMG Guidelines, 2015. Collection method: clinical testing. Allele origin: germline. Affected: yes.

PreventionGenetics, part of Exact Sciences
Classification: Likely benign for DOCK2-related condition. Last evaluated: 2019-06-20. Review status: no assertion criteria provided. Collection method: clinical testing. Allele origin: germline. Not counted in ClinVar's aggregate classification.
Comment: This variant is classified as likely benign based on ACMG/AMP sequence variant interpretation guidelines (Richards et al. 2015 PMID: 25741868, with internal and published modifications).

Dubai Health Genomic Medicine Center, Dubai Health
Classification: Uncertain significance for DOCK2 deficiency. Last evaluated: 2020-10-06. Review status: flagged submission. Criteria: ACMG Guidelines, 2015. Collection method: clinical testing. Allele origin: germline. Affected: yes. Not counted in ClinVar's aggregate classification.
Comment: The c.2704-3C>T intronic variant in DOCK2 has not been previously reported in affected individuals but was identified in 10/30572 (0.033% 0 homozygotes) South Asian alleles in the Genome Aggregation Database (gnomAD). This variant is located in the 3' splice region. Computational tools do not suggest an impact to splicing though this information is not predictive enough to rule out pathogenicity. In summary additional information is needed to fully assess its clinical significance.
ClinVar note: Reason: This record appears to be redundant with a more recent record from the same submitter.
ClinVar note: Notes: SCV001984318 appears to be redundant with SCV002774976.

Literature cited by the submitters: PubMed 17576681 (cited by Labcorp Genetics (formerly Invitae), Labcorp); PubMed 9536098 (cited by Labcorp Genetics (formerly Invitae), Labcorp).

NM_004946.3(DOCK2):c.2704-3C>T

Gene: DOCK2 (dedicator of cytokinesis 2; plus strand). Cytogenetic location: 5q35.1.
Variant type: single nucleotide variant.
Coding change: c.2704-3C>T on transcript NM_004946.3 (MANE Select); 3 bases into the intron before coding-DNA position 2704, C replaced by T.
Molecular consequence: intron variant.
Genome position (GRCh38, 1-based): chr5:169,840,754, C>T. VCF-style: chr5-169840754-C-T. GRCh37 (hg19) VCF-style: chr5-169267758-C-T.
Identifiers: ClinVar variation 967479 (VCV000967479.14), dbSNP rs144101028, ClinGen allele CA3553832.